The following is an entry in ClinVar:

NM_001363.5(DKC1):c.75A>T (p.Glu25Asp)

Gene: DKC1 (dyskerin pseudouridine synthase 1; plus strand). Cytogenetic location: Xq28.
Variant type: single nucleotide variant.
Coding change: c.75A>T on transcript NM_001363.5 (MANE Select); coding-DNA position 75, A replaced by T.
Protein change: p.Glu25Asp; replaces glutamic acid 25 with aspartic acid.
Molecular consequence: missense variant. On other transcripts: non-coding transcript variant (3).
Genome position (GRCh38, 1-based): chrX:154,764,957, A>T. VCF-style: chrX-154764957-A-T. GRCh37 (hg19) VCF-style: chrX-153993232-A-T.
Other names: c.75A>T, p.Glu25Asp (NM_001142463.3, NM_001288747.2); short protein forms E25D.
Identifiers: ClinVar variation 1721936 (VCV001721936.6), dbSNP rs2148509198, ClinGen allele CA414888786.

ClinVar aggregate classification (germline): Uncertain significance. Review status: criteria provided, multiple submitters, no conflicts (2 of 4 stars). 2 submissions from 2 submitters: Uncertain significance (2). Last evaluated 2025-10-29.

Conditions:
Dyskeratosis congenita. Identifiers: Orphanet 1775, MedGen C0265965, MONDO:0015780.

gnomAD v4.1: 1 of 1,203,463 alleles (0.000083%); highest among the groups gnomAD compares: South Asian, 0.0018%; no homozygotes.

Submissions (2):

Ambry Genetics
Classification: Uncertain significance for Dyskeratosis congenita. Last evaluated: 2025-10-29. Review status: criteria provided, single submitter. Criteria: Ambry Variant Classification Scheme 2023. Collection method: clinical testing. Allele origin: germline.

Labcorp Genetics (formerly Invitae), Labcorp
Classification: Uncertain significance for Dyskeratosis congenita. Last evaluated: 2022-10-20. Review status: criteria provided, single submitter. Criteria: Invitae Variant Classification Sherloc (09022015). Collection method: clinical testing. Allele origin: germline.
Comment: This sequence change replaces glutamic acid, which is acidic and polar, with aspartic acid, which is acidic and polar, at codon 25 of the DKC1 protein (p.Glu25Asp). This variant is not present in population databases (gnomAD no frequency). This variant has not been reported in the literature in individuals affected with DKC1-related conditions. Algorithms developed to predict the effect of missense changes on protein structure and function output the following: SIFT: "Tolerated"; PolyPhen-2: "Benign"; Align-GVGD: "Class C0". The aspartic acid amino acid residue is found in multiple mammalian species, which suggests that this missense change does not adversely affect protein function. In summary, the available evidence is currently insufficient to determine the role of this variant in disease. Therefore, it has been classified as a Variant of Uncertain Significance.